The following is an entry in ClinVar:

NM_000452.3(SLC10A2):c.377G>A (p.Ser126Asn)

Gene: SLC10A2 (solute carrier family 10 member 2; minus strand). Cytogenetic location: 13q33.1.
Variant type: single nucleotide variant.
Coding change: c.377G>A on transcript NM_000452.3 (MANE Select); coding-DNA position 377, G replaced by A.
Protein change: p.Ser126Asn; replaces serine 126 with asparagine.
Molecular consequence: missense variant.
Genome position (GRCh38, 1-based): chr13:103,065,873, C>T on the plus strand (G>A on the coding strand, the complement: SLC10A2 is on the minus strand). VCF-style: chr13-103065873-C-T. GRCh37 (hg19) VCF-style: chr13-103718223-C-T.
Other names: short protein forms S126N.
Identifiers: ClinVar variation 2799527 (VCV002799527.3), dbSNP rs2501426530, ClinGen allele CA388608937.

ClinVar aggregate classification (germline): Uncertain significance (1 of 4 stars; one submission).

Allele frequency attached by ClinVar (database versions not stated): gnomAD exomes below 0.00001.

Submission:

Labcorp Genetics (formerly Invitae), Labcorp
Classification: Uncertain significance. Last evaluated: 2023-01-22. Review status: criteria provided, single submitter. Criteria: Invitae Variant Classification Sherloc (09022015). Collection method: clinical testing. Allele origin: germline.
Comment: In summary, the available evidence is currently insufficient to determine the role of this variant in disease. Therefore, it has been classified as a Variant of Uncertain Significance. Variants that disrupt the consensus splice site are a relatively common cause of aberrant splicing (PMID: 17576681, 9536098). Algorithms developed to predict the effect of sequence changes on RNA splicing suggest that this variant may disrupt the consensus splice site. Algorithms developed to predict the effect of missense changes on protein structure and function are either unavailable or do not agree on the potential impact of this missense change (SIFT: "Deleterious"; PolyPhen-2: "Possibly Damaging"; Align-GVGD: "Class C0"). This variant has not been reported in the literature in individuals affected with SLC10A2-related conditions. This variant is not present in population databases (gnomAD no frequency). This sequence change replaces serine, which is neutral and polar, with asparagine, which is neutral and polar, at codon 126 of the SLC10A2 protein (p.Ser126Asn). This variant also falls at the last nucleotide of exon 1, which is part of the consensus splice site for this exon.

Literature cited by the submitters: PubMed 17576681; PubMed 9536098.